The following is an entry in ClinVar:

NM_006206.6(PDGFRA):c.620C>T (p.Ala207Val)

Gene: PDGFRA (platelet derived growth factor receptor alpha; plus strand). Cytogenetic location: 4q12.
Variant type: single nucleotide variant.
Coding change: c.620C>T on transcript NM_006206.6 (MANE Select); coding-DNA position 620, C replaced by T.
Protein change: p.Ala207Val; replaces alanine 207 with valine.
Molecular consequence: missense variant.
Genome position (GRCh38, 1-based): chr4:54,263,919, C>T. VCF-style: chr4-54263919-C-T. GRCh37 (hg19) VCF-style: chr4-55130086-C-T.
Other names: c.620C>T, p.Ala207Val (NM_001347827.2, NM_001347829.2); c.695C>T, p.Ala232Val (NM_001347828.2); c.659C>T, p.Ala220Val (NM_001347830.2); c.620C>T (NM_006206.4); short protein forms A232V, A220V, A207V.
Identifiers: ClinVar variation 1496474 (VCV001496474.9), dbSNP rs2110253999, ClinGen allele CA356890219.

ClinVar aggregate classification (germline): Uncertain significance. Review status: criteria provided, multiple submitters, no conflicts (2 of 4 stars). 2 submissions from 2 submitters: Uncertain significance (2). Last evaluated 2026-07-07.

Conditions:
Gastrointestinal stromal tumor. Also called: Gastrointestinal stromal tumor, somatic; Gastrointestinal stroma tumor. Identifiers: Orphanet 44890, MedGen C0238198, MeSH D046152, MONDO:0011719, OMIM 606764, HP:0100723.
Hereditary cancer-predisposing syndrome. Also called: Hereditary Cancer Syndrome; Tumor predisposition; Neoplastic Syndromes, Hereditary; Hereditary neoplastic syndrome. Identifiers: Orphanet 140162, MedGen C0027672, MeSH D009386, MONDO:0015356.

Submissions (2):

Ambry Genetics
Classification: Uncertain significance for Hereditary cancer-predisposing syndrome. Last evaluated: 2026-07-07. Review status: criteria provided, single submitter. Criteria: Ambry Variant Classification Scheme 2023. Collection method: clinical testing. Allele origin: germline.
Comment: The p.A207V variant (also known as c.620C>T), located in coding exon 3 of the PDGFRA gene, results from a C to T substitution at nucleotide position 620. The alanine at codon 207 is replaced by valine, an amino acid with similar properties. This amino acid position is conserved. In addition, this alteration is predicted to be tolerated by in silico analysis. Based on the available evidence, the clinical significance of this variant remains unclear.

Labcorp Genetics (formerly Invitae), Labcorp
Classification: Uncertain significance for Gastrointestinal stromal tumor. Last evaluated: 2024-10-24. Review status: criteria provided, single submitter. Criteria: Invitae Variant Classification Sherloc (09022015). Collection method: clinical testing. Allele origin: germline.
Comment: This sequence change replaces alanine, which is neutral and non-polar, with valine, which is neutral and non-polar, at codon 207 of the PDGFRA protein (p.Ala207Val). This variant is not present in population databases (gnomAD no frequency). This variant has not been reported in the literature in individuals affected with PDGFRA-related conditions. ClinVar contains an entry for this variant (Variation ID: 1496474). Invitae Evidence Modeling of protein sequence and biophysical properties (such as structural, functional, and spatial information, amino acid conservation, physicochemical variation, residue mobility, and thermodynamic stability) indicates that this missense variant is not expected to disrupt PDGFRA protein function with a negative predictive value of 80%. In summary, the available evidence is currently insufficient to determine the role of this variant in disease. Therefore, it has been classified as a Variant of Uncertain Significance.